The following is an entry in ClinVar:

ClinVar aggregate classification (germline): Pathogenic/Likely pathogenic. Review status: criteria provided, multiple submitters, no conflicts (2 of 4 stars). 2 submissions from 2 submitters: Pathogenic (1); Likely pathogenic (1). Last evaluated 2024-11-12.

Conditions:
Methylmalonic aciduria due to complete methylmalonyl-CoA mutase deficiency.

Submissions (2):

Natera, Inc.
Classification: Likely pathogenic for Methylmalonic aciduria due to complete methylmalonyl-CoA mutase deficiency. Last evaluated: 2024-11-12. Review status: criteria provided, single submitter. Criteria: Natera Variant Classification Schema (03/2026). Collection method: clinical testing. Allele origin: germline.
Comment: The c.243_255del variant in MMUT is a frameshift variant predicted to shift the reading frame beginning at codon 81 and leads to a stop codon 4 codons downstream. This variant is expected to result in nonsense mediated decay, truncation, or a dysfunctional protein product. This variant is rare in the general population with a frequency below the threshold expected for the associated phenotype(s). Given the available evidence, this variant is classified as Likely Pathogenic.

Labcorp Genetics (formerly Invitae), Labcorp
Classification: Pathogenic. Last evaluated: 2021-08-28. Review status: criteria provided, single submitter. Criteria: Invitae Variant Classification Sherloc (09022015). Collection method: clinical testing. Allele origin: germline.
Comment: For these reasons, this variant has been classified as Pathogenic. This variant has not been reported in the literature in individuals affected with MUT-related conditions. This variant is not present in population databases (ExAC no frequency). This sequence change creates a premature translational stop signal (p.Leu81Phefs*4) in the MUT gene. It is expected to result in an absent or disrupted protein product. Loss-of-function variants in MUT are known to be pathogenic (PMID: 15781192).

Literature cited by the submitters: PubMed 15781192 (cited by Labcorp Genetics (formerly Invitae), Labcorp).

NM_000255.4(MMUT):c.243_255del (p.Leu81fs)

Gene: MMUT (methylmalonyl-CoA mutase; minus strand). Cytogenetic location: 6p12.3.
Variant type: Deletion.
Coding change: c.243_255del on transcript NM_000255.4 (MANE Select); coding-DNA positions 243 to 255, 13 bases deleted (ACCTGAAGAACTT).
Protein change: p.Leu81fs; shifts the reading frame from leucine 81.
Molecular consequence: frameshift variant.
Genome position (GRCh38, 1-based): chr6:49,459,212-49,459,224, AAGTTCTTCAGGT deleted on the plus strand (ACCTGAAGAACTT on the coding strand, the reverse complement: MMUT is on the minus strand); deleting any 13 consecutive bases within chr6:49,459,212-49,459,228 gives the same sequence; the c. name uses the placement nearest the transcript's 3' end. VCF-style (leftmost placement, unchanged base first): chr6-49459211-GAAGTTCTTCAGGT-G. GRCh37 (hg19) VCF-style: chr6-49426924-GAAGTTCTTCAGGT-G.
Other names: c.243_255del (NM_000255.3); short protein forms L81fs.
Identifiers: ClinVar variation 1407534 (VCV001407534.7), dbSNP rs2127420439, ClinGen allele CA2573140888.